The following is an entry in ClinVar:

ClinVar aggregate classification (germline): Uncertain significance (1 of 4 stars; one submission).

Submission:

Labcorp Genetics (formerly Invitae), Labcorp
Classification: Uncertain significance. Last evaluated: 2022-06-25. Review status: criteria provided, single submitter. Criteria: Invitae Variant Classification Sherloc (09022015). Collection method: clinical testing. Allele origin: germline.
Comment: This sequence change falls in intron 1 of the SMARCB1 gene. It does not directly change the encoded amino acid sequence of the SMARCB1 protein. It affects a nucleotide within the consensus splice site. This variant is not present in population databases (gnomAD no frequency). This variant has not been reported in the literature in individuals affected with SMARCB1-related conditions. Variants that disrupt the consensus splice site are a relatively common cause of aberrant splicing (PMID: 17576681, 9536098). Algorithms developed to predict the effect of sequence changes on RNA splicing suggest that this variant is not likely to affect RNA splicing. In summary, the available evidence is currently insufficient to determine the role of this variant in disease. Therefore, it has been classified as a Variant of Uncertain Significance.

Literature cited by the submitters: PubMed 17576681; PubMed 9536098.

NM_003073.5(SMARCB1):c.94-3T>C

Gene: SMARCB1 (SWI/SNF related BAF chromatin remodeling complex subunit B1; plus strand). Cytogenetic location: 22q11.23.
Variant type: single nucleotide variant.
Coding change: c.94-3T>C on transcript NM_003073.5 (MANE Select); 3 bases into the intron before coding-DNA position 94, T replaced by C.
Molecular consequence: intron variant.
Genome position (GRCh38, 1-based): chr22:23,791,753, T>C. VCF-style: chr22-23791753-T-C. GRCh37 (hg19) VCF-style: chr22-24133940-T-C.
Other names: c.94-3T>C (NM_001362877.2, NM_001317946.2, NM_001007468.3).
Identifiers: ClinVar variation 2010432 (VCV002010432.4), dbSNP rs2145959833, ClinGen allele CA2580099267.